The following is an entry in ClinVar:

NM_001369.3(DNAH5):c.8842C>T (p.Pro2948Ser)

Gene: DNAH5 (dynein axonemal heavy chain 5; minus strand). Cytogenetic location: 5p15.2.
Variant type: single nucleotide variant.
Coding change: c.8842C>T on transcript NM_001369.3 (MANE Select); coding-DNA position 8842, C replaced by T.
Protein change: p.Pro2948Ser; replaces proline 2948 with serine.
Molecular consequence: missense variant.
Genome position (GRCh38, 1-based): chr5:13,780,938, G>A on the plus strand (C>T on the coding strand, the complement: DNAH5 is on the minus strand). VCF-style: chr5-13780938-G-A. GRCh37 (hg19) VCF-style: chr5-13781047-G-A.
Other names: short protein forms P2948S.
Identifiers: ClinVar variation 696654 (VCV000696654.14), dbSNP rs374634044, ClinGen allele CA3202692.

ClinVar aggregate classification (germline): Likely benign. Review status: criteria provided, multiple submitters, no conflicts (2 of 4 stars). 3 submissions from 3 submitters: Likely benign (3). Last evaluated 2026-02-01.

Conditions:
Primary ciliary dyskinesia. Also called: Ciliary dyskinesia. Identifiers: Orphanet 244, MedGen C0008780, MONDO:0016575, HP:0012265.
DNAH5-related disorder. Also called: DNAH5-related condition.

Allele frequency attached by ClinVar (database versions not stated): gnomAD 0.00001 and 0.00009; TOPMed 0.00003; gnomAD exomes 0.00017 and 0.00039; 1000 Genomes Project 0.00040; ExAC 0.00042; 1000 Genomes Project 30x 0.00047.
gnomAD v4.1: 291 of 1,613,728 alleles (0.018%); highest among the groups gnomAD compares: South Asian, 0.27%; 3 homozygotes.

Submissions (3):

Labcorp Genetics (formerly Invitae), Labcorp
Classification: Likely benign for Primary ciliary dyskinesia. Last evaluated: 2026-02-01. Review status: criteria provided, single submitter. Criteria: Invitae Variant Classification Sherloc (09022015). Collection method: clinical testing. Allele origin: germline.

PreventionGenetics, part of Exact Sciences
Classification: Likely benign for DNAH5-related condition. Last evaluated: 2025-02-19. Review status: criteria provided, single submitter. Criteria: ACMG Guidelines, 2015. Collection method: clinical testing. Allele origin: germline.
Comment: This variant is classified as likely benign based on ACMG/AMP sequence variant interpretation guidelines (Richards et al. 2015 PMID: 25741868, with internal and published modifications).

Ambry Genetics
Classification: Likely benign for Primary ciliary dyskinesia. Last evaluated: 2021-11-08. Review status: criteria provided, single submitter. Criteria: Ambry Variant Classification Scheme 2023. Collection method: clinical testing. Allele origin: germline.